The following is an entry in ClinVar:

NM_006944.3(SPP2):c.-1C>A

Gene: SPP2 (secreted phosphoprotein 2; plus strand). Cytogenetic location: 2q37.1.
Variant type: single nucleotide variant.
Coding change: c.-1C>A on transcript NM_006944.3 (MANE Select); 1 bases upstream of the start codon, C replaced by A.
Molecular consequence: 5 prime UTR variant.
Genome position (GRCh38, 1-based): chr2:234,050,786, C>A. VCF-style: chr2-234050786-C-A. GRCh37 (hg19) VCF-style: chr2-234959430-C-A.
Identifiers: ClinVar variation 3033178 (VCV003033178.3), dbSNP rs143244045, ClinGen allele CA2183036.

ClinVar aggregate classification (germline): Likely benign. Review status: criteria provided, single submitter (1 of 4 stars). 2 submissions from 2 submitters: Likely benign (1). 1 of the submissions does not count toward it. Last evaluated 2024-11-19.

Conditions:
SPP2-related disorder. Also called: SPP2-related condition.

Allele frequency attached by ClinVar (database versions not stated): gnomAD 0.00018; TOPMed 0.00019; 1000 Genomes Project 0.00020; gnomAD exomes 0.00021; 1000 Genomes Project 30x 0.00031; ExAC 0.00034; ESP Exome Variant Server 0.00069.

Submissions (2):

Blueprint Genetics
Classification: Likely benign. Last evaluated: 2024-11-19. Review status: criteria provided, single submitter. Criteria: ACMG Guidelines, 2015. Collection method: clinical testing. Allele origin: germline.

PreventionGenetics, part of Exact Sciences
Classification: Likely benign for SPP2-related condition. Last evaluated: 2019-07-23. Review status: no assertion criteria provided. Collection method: clinical testing. Allele origin: germline. Not counted in ClinVar's aggregate classification.
Comment: This variant is classified as likely benign based on ACMG/AMP sequence variant interpretation guidelines (Richards et al. 2015 PMID: 25741868, with internal and published modifications).